The following is an entry in ClinVar:

ClinVar aggregate classification (germline): Uncertain significance (1 of 4 stars; one submission).

Conditions:
Parenti-mignot neurodevelopmental syndrome. Identifiers: MedGen C5676984, MONDO:0859249, OMIM 619873.

Allele frequency attached by ClinVar (database versions not stated): gnomAD exomes below 0.00001.

Submission:

Laboratorio de Genetica e Diagnostico Molecular, Hospital Israelita Albert Einstein
Classification: Uncertain significance for Parenti-mignot neurodevelopmental syndrome. Last evaluated: 2022-10-04. Review status: criteria provided, single submitter. Criteria: ACMG Guidelines, 2015. Collection method: clinical testing. Allele origin: germline. Affected: yes. Observed: 1 variant allele.
Comment: ACMG classification criteria: PVS1 supporting, PM2 moderated

NM_015557.3(CHD5):c.1A>T (p.Met1Leu)

Gene: CHD5 (chromodomain helicase DNA binding protein 5; minus strand). Cytogenetic location: 1p36.31.
Variant type: single nucleotide variant.
Coding change: c.1A>T on transcript NM_015557.3 (MANE Select); coding-DNA position 1, A replaced by T.
Protein change: p.Met1Leu; changes the start codon (methionine 1).
Molecular consequence: missense variant, initiator codon variant.
Genome position (GRCh38, 1-based): chr1:6,180,023, T>A on the plus strand (A>T on the coding strand, the complement: CHD5 is on the minus strand). VCF-style: chr1-6180023-T-A. GRCh37 (hg19) VCF-style: chr1-6240083-T-A.
Other names: short protein forms M1L.
Identifiers: ClinVar variation 2431817 (VCV002431817.2), dbSNP rs1667490243, ClinGen allele CA338062829.